The following is an entry in ClinVar:

ClinVar aggregate classification (germline): Pathogenic (1 of 4 stars; one submission).

Conditions:
Neurodevelopmental disorder with epilepsy and brain atrophy (NEDEBA). Identifiers: MedGen C5774184, MONDO:0859265, OMIM 619971.

Submission:

Victorian Clinical Genetics Services, Murdoch Childrens Research Institute
Classification: Pathogenic for Neurodevelopmental disorder with epilepsy and brain atrophy. Last evaluated: 2025-03-18. Review status: criteria provided, single submitter. Criteria: ACMG Guidelines, 2015. Collection method: clinical testing. Allele origin: germline. Affected: yes.
Comment: This variant is classified as Pathogenic. Evidence in support of pathogenic classification: Splice site variant proven to affect splicing of the transcript with a known effect on protein sequence. The c.118-1del variant has been shown to activate a cryptic acceptor that encodes a premature termination codon, p.(Leu40Metfs*2) (Splicing Diagnostics, Kids Neuroscience Centre, NSW, Australia); Variant is present in gnomAD <0.01 (v4: 1 heterozygote(s), 0 homozygote(s)). Additional information: This variant is heterozygous; This gene is associated with both recessive and dominant disease. Developmental and epileptic encephalopathy 104 (MIM#619970) is associated with autosomal dominant inheritance whilst neurodevelopmental disorder with epilepsy and brain atrophy (MIM#619971) is associated with autosomal recessive inheritance; Alternative nucleotide change(s) at the same canonical splice site, are present in gnomAD (Highest allele count: v4: 1 heterozygote(s), 0 homozygote(s)); This variant has no previous evidence of pathogenicity; No published segregation evidence has been identified for this variant; Other NMD-predicted variant(s) comparable to the one identified in this case have inconclusive previous evidence for pathogenicity. p.(Asn567Glufs*9) has been classified as a VUS by a clinical laboratory in ClinVar. p.(Glu149Lysfs*18) has been described in five individuals from two unrelated families who are compound heterozygous with a ATP6V0A1 missense variant and are described with early onset, progressive myoclonus epilepsy and ataxia (PMID: 34909687). Additionally, an alternative canonical splice site variant, c.118-2A>G, has been classified as likely pathogenic by a clinical laboratory in ClinVar; Loss of function is a known mechanism of disease in this gene and is associated with neurodevelopmental disorder with epilepsy and brain atrophy (MIM#619971). Dominant negative mechanism has been suggested as a mechanism for developmental and epileptic encephalopathy 104 (MIM#619970); however, this has not been proven (PMIDs: 34909687, 33833240).

Literature cited by the submitters: PubMed 33833240; PubMed 34909687.

NM_001130021.3(ATP6V0A1):c.118-1del

Gene: ATP6V0A1 (ATPase H+ transporting V0 subunit a1; plus strand). Cytogenetic location: 17q21.2.
Variant type: Deletion.
Coding change: c.118-1del on transcript NM_001130021.3 (MANE Select); the canonical splice acceptor site of the intron before coding-DNA position 118, one base deleted (G; older notation c.118-1delG).
Molecular consequence: splice acceptor variant.
Genome position (GRCh38, 1-based): chr17:42,466,428, G deleted. VCF-style (leftmost placement, unchanged base first): chr17-42466427-AG-A. GRCh37 (hg19) VCF-style: chr17-40618445-AG-A.
Other names: c.118-1del (NM_001378551.1, NM_001378552.1, NM_001378535.1 and 25 more transcripts); c.-63-1del (NM_001378543.1, NM_001378549.1).
Identifiers: ClinVar variation 3377270 (VCV003377270.3).